The following is an entry in ClinVar:

NM_020738.4(KIDINS220):c.3614T>C (p.Val1205Ala)

Gene: KIDINS220 (kinase D interacting substrate 220; minus strand). Cytogenetic location: 2p25.1.
Variant type: single nucleotide variant.
Coding change: c.3614T>C on transcript NM_020738.4 (MANE Select); coding-DNA position 3614, T replaced by C.
Protein change: p.Val1205Ala; replaces valine 1205 with alanine.
Molecular consequence: missense variant. On other transcripts: non-coding transcript variant (2).
Genome position (GRCh38, 1-based): chr2:8,736,971, A>G on the plus strand (T>C on the coding strand, the complement: KIDINS220 is on the minus strand). VCF-style: chr2-8736971-A-G. GRCh37 (hg19) VCF-style: chr2-8877101-A-G.
Other names: c.3617T>C, p.Val1206Ala (NM_001348729.2); c.3560T>C, p.Val1187Ala (NM_001348731.2); c.3557T>C, p.Val1186Ala (NM_001348732.2, NM_001348738.2); c.3446T>C, p.Val1149Ala (NM_001348734.2, NM_001348739.2, NM_001348740.2); c.3443T>C, p.Val1148Ala (NM_001348735.2, NM_001348741.2, NM_001348742.2 and 1 more transcripts); c.3317T>C, p.Val1106Ala (NM_001348736.2); short protein forms V1148A, V1149A, V1106A, V1186A, V1187A, V1205A, V1206A.
Identifiers: ClinVar variation 4986277 (VCV004986277.1).

ClinVar aggregate classification (germline): Uncertain significance (1 of 4 stars; one submission).

Conditions:
KIDINS220-related disorder. Also called: KIDINS220-related condition.

Submission:

PreventionGenetics, part of Exact Sciences
Classification: Uncertain significance for KIDINS220-related condition. Last evaluated: 2025-05-21. Review status: criteria provided, single submitter. Criteria: ACMG Guidelines, 2015. Collection method: clinical testing. Allele origin: germline.
Comment: The KIDINS220 c.3614T>C variant is predicted to result in the amino acid substitution p.Val1205Ala. To our knowledge, this variant has not been reported in the literature or in a large population database (gnomAD), indicating this variant is rare. At this time, the clinical significance of this variant is uncertain due to the absence of conclusive functional and genetic evidence.